The following is an entry in ClinVar:

NM_000368.5(TSC1):c.2041+2T>C

Gene: TSC1 (TSC complex subunit 1; minus strand). Cytogenetic location: 9q34.13.
Variant type: single nucleotide variant.
Coding change: c.2041+2T>C on transcript NM_000368.5 (MANE Select); the canonical splice donor site of the intron after coding-DNA position 2041, T replaced by C.
Molecular consequence: splice donor variant.
Genome position (GRCh38, 1-based): chr9:132,904,409, A>G on the plus strand (T>C on the coding strand, the complement: TSC1 is on the minus strand). VCF-style: chr9-132904409-A-G. GRCh37 (hg19) VCF-style: chr9-135779796-A-G.
Other names: c.1675+2T>C (NM_001406620.1, NM_001406625.1, NM_001406621.1 and 2 more transcripts); c.1678+2T>C (NM_001406618.1, NM_001406617.1, NM_001406619.1 and 5 more transcripts); c.1885+2T>C (NM_001406613.1, NM_001406612.1, NM_001406611.1); c.1888+2T>C (NM_001406610.1, NM_001162427.2); c.1087+2T>C (NM_001406627.1, NM_001406628.1); c.988+2T>C (NM_001406629.1, NM_001406630.1); c.2038+2T>C (NM_001406603.1, NM_001406609.1, NM_001406597.1 and 6 more transcripts); c.2041+2T>C (NM_001406602.1, NM_001406606.1, NM_001406592.1 and 7 more transcripts); and 1 more.
Identifiers: ClinVar variation 48879 (VCV000048879.5), dbSNP rs118203625, ClinGen allele CA005827.
Genomic context (GRCh38, chr9:132,904,409, plus strand): 5'-AAAGGGCAACAAGCAAGCAGGAACCATGTGGGCTGGATTTGGAGCTAAAGTAACAACTTT[A>G]CCTCCAAAGTGGGTCCAGTCGACAGACTTGCTGGGTAAAGGCAACCTAGGAAGAAAGTTT-3'

ClinVar aggregate classification (germline): Pathogenic. Review status: criteria provided, single submitter (1 of 4 stars). 2 submissions from 2 submitters: Pathogenic (1). 1 of the submissions does not count toward it. Last evaluated 2023-08-04.

Conditions:
Hereditary cancer-predisposing syndrome. Also called: Neoplastic Syndromes, Hereditary; Tumor predisposition; Hereditary Cancer Syndrome; Hereditary neoplastic syndrome. Identifiers: Orphanet 140162, MedGen C0027672, MeSH D009386, MONDO:0015356.
Tuberous sclerosis syndrome (TSC). Also called: Tuberous Sclerosis Complex; Tuberous sclerosis. Identifiers: Orphanet 805, MedGen C0041341, MONDO:0001734.

Allele frequency attached by ClinVar (database versions not stated): TOPMed below 0.00001.

Submissions (2):

Ambry Genetics
Classification: Pathogenic for Hereditary cancer-predisposing syndrome. Last evaluated: 2023-08-04. Review status: criteria provided, single submitter. Criteria: Ambry Variant Classification Scheme 2023. Collection method: clinical testing. Allele origin: germline.
Comment: The c.2041+2T>C intronic pathogenic mutation results from a T to C substitution two nucleotides after coding exon 14 in the TSC1 gene. This alteration has been identified in individuals meeting criteria for a clinical diagnosis of tuberous sclerosis complex (Mayer K et al. Hum Mutat. 1999;14:401-11; Ambry internal data). In silico splice site analysis predicts that this alteration will weaken the native splice donor site. RNA studies have demonstrated that this alteration results in abnormal splicing in the set of samples tested (Ambry internal data). In addition to the clinical data presented in the literature, alterations that disrupt the canonical splice site are expected to cause aberrant splicing, resulting in an abnormal protein or a transcript that is subject to nonsense-mediated mRNA decay. As such, this alteration is classified as a disease-causing mutation.

Tuberous sclerosis database (TSC1)
No classification provided. Condition: TSC. Review status: no classification provided. Criteria: Tuberous Sclerosis Database Assertion Criteria 2015. Collection method: curation. Allele origin: germline. Affected: yes. Not counted in ClinVar's aggregate classification.

Literature cited by the submitters: PubMed 10533066 (cited by Ambry Genetics).